The following is an entry in ClinVar:

ClinVar aggregate classification (germline): Pathogenic (1 of 4 stars; one submission).

Conditions:
Telangiectasia, hereditary hemorrhagic, type 2 (HHT2). Also called: ACVRL1-Related Hereditary Hemorrhagic Telangiectasia; Telangiectasia, hereditary hemorrhagic, type II. Identifiers: Orphanet 774, MedGen C1838163, MONDO:0010880, OMIM 600376. Disease mechanism: loss of function.

Submission:

Labcorp Genetics (formerly Invitae), Labcorp
Classification: Pathogenic for Telangiectasia, hereditary hemorrhagic, type 2. Last evaluated: 2021-08-14. Review status: criteria provided, single submitter. Criteria: Invitae Variant Classification Sherloc (09022015). Collection method: clinical testing. Allele origin: germline.
Comment: For these reasons, this variant has been classified as Pathogenic. This premature translational stop signal has been observed in individual(s) with hereditary hemorrhagic telangiectasia (PMID: 21158752). This variant is not present in population databases (ExAC no frequency). This sequence change creates a premature translational stop signal (p.Leu17Phefs*21) in the ACVRL1 gene. It is expected to result in an absent or disrupted protein product. Loss-of-function variants in ACVRL1 are known to be pathogenic (PMID: 15879500).

Literature cited by the submitters: PubMed 21158752; PubMed 15879500.

NM_000020.3(ACVRL1):c.50dup (p.Leu17fs)

Gene: ACVRL1 (activin A receptor like type 1; plus strand). Cytogenetic location: 12q13.13.
Variant type: Duplication.
Coding change: c.50dup on transcript NM_000020.3 (MANE Select); coding-DNA position 50, one base duplicated (T; older notation c.50dupT).
Protein change: p.Leu17fs; shifts the reading frame from leucine 17.
Molecular consequence: frameshift variant.
Genome position (GRCh38, 1-based): chr12:51,912,524, T duplicated; the last of 2 consecutive T bases (chr12:51,912,523-51,912,524); duplicating either gives the same sequence. VCF-style (leftmost placement, unchanged base first): chr12-51912522-C-CT. GRCh37 (hg19) VCF-style: chr12-52306306-C-CT.
Other names: c.50dup, p.Leu17fs (NM_001077401.2); short protein forms L17fs.
Identifiers: ClinVar variation 1458200 (VCV001458200.6), dbSNP rs2139062776, ClinGen allele CA2573148771.